The following is an entry in ClinVar:

NM_001110556.2(FLNA):c.2873A>G (p.Lys958Arg)

Gene: FLNA (filamin A; minus strand). Cytogenetic location: Xq28.
Variant type: single nucleotide variant.
Coding change: c.2873A>G on transcript NM_001110556.2 (MANE Select); coding-DNA position 2873, A replaced by G.
Protein change: p.Lys958Arg; replaces lysine 958 with arginine.
Molecular consequence: missense variant.
Genome position (GRCh38, 1-based): chrX:154,361,741, T>C on the plus strand (A>G on the coding strand, the complement: FLNA is on the minus strand). VCF-style: chrX-154361741-T-C. GRCh37 (hg19) VCF-style: chrX-153590109-T-C.
Other names: c.2873A>G, p.Lys958Arg (NM_001456.4); short protein forms K958R.
Identifiers: ClinVar variation 1967094 (VCV001967094.5), dbSNP rs2522745914, ClinGen allele CA415231660.

ClinVar aggregate classification (germline): Uncertain significance (1 of 4 stars; one submission).

Conditions:
Heterotopia, periventricular, X-linked dominant (PVNH1). Also called: PERIVENTRICULAR NODULAR HETEROTOPIA 1; PERIVENTRICULAR NODULAR HETEROTOPIA 4; HETEROTOPIA, PERIVENTRICULAR, 1; X-linked periventricular heterotopia. Identifiers: Orphanet 2149, Orphanet 82004, MedGen C1848213, MONDO:0010233, OMIM 300049.
Melnick-Needles syndrome (MNS). Also called: Melnick-Needles Syndrome (FLNA-MNS); MELNICK-NEEDLES OSTEODYSPLASTY; OSTEODYSPLASTY OF MELNICK AND NEEDLES. Identifiers: Orphanet 2484, MedGen C0025237, MONDO:0010650, OMIM 309350.
Oto-palato-digital syndrome, type II (OPD2). Also called: Otopalatodigital Syndrome Type 2 (FLNA-OPD2); FACIOPALATOOSSEOUS SYNDROME; OPD II SYNDROME; Otopalatodigital Syndrome, Type II. Identifiers: Orphanet 669, Orphanet 90652, MedGen C1844696, MONDO:0010571, OMIM 304120.
Frontometaphyseal dysplasia (FMD1). Identifiers: Orphanet 1826, MedGen C0265293, MONDO:0015942.

Submission:

Labcorp Genetics (formerly Invitae), Labcorp
Classification: Uncertain significance for Oto-palato-digital syndrome, type II; Heterotopia, periventricular, X-linked dominant; Frontometaphyseal dysplasia; Melnick-Needles syndrome. Last evaluated: 2021-12-26. Review status: criteria provided, single submitter. Criteria: Invitae Variant Classification Sherloc (09022015). Collection method: clinical testing. Allele origin: germline.
Comment: This sequence change replaces lysine, which is basic and polar, with arginine, which is basic and polar, at codon 958 of the FLNA protein (p.Lys958Arg). This variant is not present in population databases (gnomAD no frequency). This variant has not been reported in the literature in individuals affected with FLNA-related conditions. Advanced modeling of protein sequence and biophysical properties (such as structural, functional, and spatial information, amino acid conservation, physicochemical variation, residue mobility, and thermodynamic stability) performed at Invitae indicates that this missense variant is not expected to disrupt FLNA protein function. Algorithms developed to predict the effect of sequence changes on RNA splicing suggest that this variant may create or strengthen a splice site. In summary, the available evidence is currently insufficient to determine the role of this variant in disease. Therefore, it has been classified as a Variant of Uncertain Significance.